The following is an entry in ClinVar:

ClinVar aggregate classification (germline): Conflicting classifications of pathogenicity. Review status: criteria provided, conflicting classifications (1 of 4 stars). 5 submissions from 5 submitters: Uncertain significance (2); Benign (1); Likely benign (2). Last evaluated 2025-11-17.

Conditions:
Hereditary cancer-predisposing syndrome. Also called: Neoplastic Syndromes, Hereditary; Tumor predisposition; Hereditary neoplastic syndrome; Hereditary Cancer Syndrome. Identifiers: Orphanet 140162, MedGen C0027672, MeSH D009386, MONDO:0015356.
Chuvash polycythemia. Also called: POLYCYTHEMIA, VHL-DEPENDENT. Identifiers: Orphanet 238557, MedGen C1837915, MONDO:0009892, OMIM 263400.
Von Hippel-Lindau syndrome (VHLS). Also called: von Hippel–Lindau syndrome; VHL syndrome; Von Hippel-Lindau. Identifiers: Orphanet 892, MedGen C0019562, MONDO:0008667, OMIM 193300. Disease mechanism: loss of function.

Allele frequency attached by ClinVar (database versions not stated): gnomAD exomes below 0.00001; TOPMed below 0.00001; ExAC 0.00001; gnomAD 0.00001.
gnomAD v4.1: 2 of 1,607,248 alleles (0.00012%); highest among the groups gnomAD compares: Non-Finnish European, 0.00017%; no homozygotes.

Submissions (5):

Labcorp Genetics (formerly Invitae), Labcorp
Classification: Likely benign for Von Hippel-Lindau syndrome; Chuvash polycythemia. Last evaluated: 2025-11-17. Review status: criteria provided, single submitter. Criteria: Invitae Variant Classification Sherloc (09022015). Collection method: clinical testing. Allele origin: germline.

Myriad Genetics, Inc.
Classification: Benign for Von Hippel-Lindau syndrome. Last evaluated: 2025-06-10. Review status: criteria provided, single submitter. Criteria: Myriad Autosomal Dominant, Autosomal Recessive and X-Linked Classification Criteria (2023). Collection method: clinical testing. Allele origin: unknown.
Comment: This variant is considered benign. This variant is a silent/synonymous amino acid change and it is not expected to impact splicing.

All of Us Research Program, National Institutes of Health
Classification: Uncertain significance for Von Hippel-Lindau syndrome. Last evaluated: 2023-08-28. Review status: criteria provided, single submitter. Criteria: ACMG Guidelines, 2015. Collection method: clinical testing. Allele origin: germline. Inheritance: Autosomal dominant inheritance. Observed: 1 variant allele, 1 heterozygote.
Comment: This variant is located in the VHL protein. To our knowledge, functional studies have not been reported for this variant. This variant has not been reported in individuals affected with VHL-related disorders in the literature. This variant has been identified in 1/231698 chromosomes in the general population by the Genome Aggregation Database (gnomAD). The available evidence is insufficient to determine the role of this variant in disease conclusively. Therefore, this variant is classified as a Variant of Uncertain Significance.

This study involves interpretation of variants in research participants for the purpose of population health screening. Participant phenotype was not available at the time of variant classification. Additional details can be found in publication PMID: 35346344, PMCID: PMC8962531

Color Diagnostics, LLC DBA Color Health
Classification: Uncertain significance for Von Hippel-Lindau syndrome. Last evaluated: 2022-11-06. Review status: criteria provided, single submitter. Criteria: ACMG Guidelines, 2015. Collection method: clinical testing. Allele origin: germline.
Comment: This variant is located in the VHL protein. To our knowledge, functional studies have not been reported for this variant. This variant has not been reported in individuals affected with VHL-related disorders in the literature. This variant has been identified in 1/231698 chromosomes in the general population by the Genome Aggregation Database (gnomAD). The available evidence is insufficient to determine the role of this variant in disease conclusively. Therefore, this variant is classified as a Variant of Uncertain Significance.

Ambry Genetics
Classification: Likely benign for Hereditary cancer-predisposing syndrome. Last evaluated: 2020-10-06. Review status: criteria provided, single submitter. Criteria: Ambry Variant Classification Scheme 2023. Collection method: clinical testing. Allele origin: germline.

NM_000551.4(VHL):c.216C>T (p.Ser72=)

Gene: VHL (von Hippel-Lindau tumor suppressor; plus strand). Cytogenetic location: 3p25.3.
Variant type: single nucleotide variant.
Coding change: c.216C>T on transcript NM_000551.4 (MANE Select); coding-DNA position 216, C replaced by T.
Protein change: p.Ser72=; no amino-acid change (serine 72 retained).
Molecular consequence: synonymous variant.
Genome position (GRCh38, 1-based): chr3:10,142,063, C>T. VCF-style: chr3-10142063-C-T. GRCh37 (hg19) VCF-style: chr3-10183747-C-T.
Other names: c.216C>T, p.Ser72= (NM_001354723.2, NM_198156.3).
Identifiers: ClinVar variation 526697 (VCV000526697.18), dbSNP rs774557051, ClinGen allele CA039823.